The following is an entry in ClinVar:

NM_002047.4(GARS1):c.2037del (p.Thr680fs)

Gene: GARS1 (glycyl-tRNA synthetase 1; plus strand). Cytogenetic location: 7p14.3.
Variant type: Deletion.
Coding change: c.2037del on transcript NM_002047.4 (MANE Select); coding-DNA position 2037, one base deleted (G; older notation c.2037delG).
Protein change: p.Thr680fs; shifts the reading frame from threonine 680.
Molecular consequence: frameshift variant.
Genome position (GRCh38, 1-based): chr7:30,632,380, G deleted. VCF-style (leftmost placement, unchanged base first): chr7-30632379-AG-A. GRCh37 (hg19) VCF-style: chr7-30671995-AG-A.
Other names: c.1875del, p.Thr626fs (NM_001316772.1); short protein forms T626fs, T680fs.
Identifiers: ClinVar variation 2797116 (VCV002797116.3), dbSNP rs775427725, ClinGen allele CA4206140.

ClinVar aggregate classification (germline): Uncertain significance (1 of 4 stars; one submission).

Conditions:
Charcot-Marie-Tooth disease type 2. Also called: Charcot-Marie-Tooth type 2. Identifiers: Orphanet 64746, MedGen C0270914, MONDO:0018993.

Allele frequency attached by ClinVar (database versions not stated): ExAC 0.00001; gnomAD exomes below 0.00001.

Submission:

Labcorp Genetics (formerly Invitae), Labcorp
Classification: Uncertain significance for Charcot-Marie-Tooth disease type 2. Last evaluated: 2026-01-08. Review status: criteria provided, single submitter. Criteria: Invitae Variant Classification Sherloc (09022015). Collection method: clinical testing. Allele origin: germline.
Comment: This sequence change creates a premature translational stop signal (p.Thr680Profs*7) in the GARS gene. While this is not anticipated to result in nonsense mediated decay, it is expected to disrupt the last 60 amino acid(s) of the GARS protein. This variant is present in population databases (rs775427725, gnomAD 0.0009%). This variant has not been reported in the literature in individuals affected with GARS-related conditions. ClinVar contains an entry for this variant (Variation ID: 2797116). Experimental studies and prediction algorithms are not available or were not evaluated, and the functional significance of this variant is currently unknown. In summary, the available evidence is currently insufficient to determine the role of this variant in disease. Therefore, it has been classified as a Variant of Uncertain Significance.